The following is an entry in ClinVar:

ClinVar aggregate classification (germline): Uncertain significance. Review status: criteria provided, multiple submitters, no conflicts (2 of 4 stars). 3 submissions from 3 submitters: Uncertain significance (3). Last evaluated 2026-03-19.

Conditions:
Hereditary cancer-predisposing syndrome. Also called: Tumor predisposition; Neoplastic Syndromes, Hereditary; Hereditary Cancer Syndrome; Hereditary neoplastic syndrome. Identifiers: Orphanet 140162, MedGen C0027672, MeSH D009386, MONDO:0015356.
Ataxia-telangiectasia syndrome (AT). Also called: ATAXIA-TELANGIECTASIA, COMPLEMENTATION GROUP A; ATAXIA-TELANGIECTASIA, FRESNO VARIANT; Ataxia-telangiectasia; Ataxia-telangiectasia, complementation group D; AT, COMPLEMENTATION GROUP C; Ataxia-telangiectasia, complementation group E. Identifiers: Orphanet 100, MedGen C0004135, MONDO:0008840, OMIM 208900.

Submissions (3):

Ambry Genetics
Classification: Uncertain significance for Hereditary cancer-predisposing syndrome. Last evaluated: 2026-03-19. Review status: criteria provided, single submitter. Criteria: Ambry Variant Classification Scheme 2023. Collection method: clinical testing. Allele origin: germline.
Comment: The p.F2846L variant (also known as c.8536T>C), located in coding exon 57 of the ATM gene, results from a T to C substitution at nucleotide position 8536. The phenylalanine at codon 2846 is replaced by leucine, an amino acid with highly similar properties. In an assay testing ATM function, this variant showed a functionally abnormal result (Lee KS et al. Cell, 2025 Sep;188:5081-5099.e27). This amino acid position is well conserved in available vertebrate species. In addition, the in silico prediction for this alteration is inconclusive. Based on the available evidence, the clinical significance of this variant remains unclear.

Labcorp Genetics (formerly Invitae), Labcorp
Classification: Uncertain significance for Ataxia-telangiectasia syndrome. Last evaluated: 2022-09-06. Review status: criteria provided, single submitter. Criteria: Invitae Variant Classification Sherloc (09022015). Collection method: clinical testing. Allele origin: germline.
Comment: In summary, the available evidence is currently insufficient to determine the role of this variant in disease. Therefore, it has been classified as a Variant of Uncertain Significance. Algorithms developed to predict the effect of missense changes on protein structure and function are either unavailable or do not agree on the potential impact of this missense change (SIFT: "Tolerated"; PolyPhen-2: "Possibly Damaging"; Align-GVGD: "Class C0"). ClinVar contains an entry for this variant (Variation ID: 804547). This variant has not been reported in the literature in individuals affected with ATM-related conditions. This variant is not present in population databases (gnomAD no frequency). This sequence change replaces phenylalanine, which is neutral and non-polar, with leucine, which is neutral and non-polar, at codon 2846 of the ATM protein (p.Phe2846Leu).

Athena Diagnostics
Classification: Uncertain significance. Last evaluated: 2018-11-01. Review status: criteria provided, single submitter. Criteria: Athena Diagnostics Criteria. Collection method: clinical testing. Allele origin: germline.

Literature cited by the submitters: PubMed 40580951 (cited by Ambry Genetics).

NM_000051.4(ATM):c.8536T>C (p.Phe2846Leu)

Genes: ATM (ATM serine/threonine kinase; plus strand), C11orf65 (chromosome 11 open reading frame 65; minus strand). Cytogenetic location: 11q22.3.
Variant type: single nucleotide variant.
Coding change: c.8536T>C on transcript NM_000051.4 (MANE Select); coding-DNA position 8536, T replaced by C.
Protein change: p.Phe2846Leu; replaces phenylalanine 2846 with leucine.
Molecular consequence: missense variant. On other transcripts: intron variant (2).
Genome position (GRCh38, 1-based): chr11:108,345,860, T>C. VCF-style: chr11-108345860-T-C. GRCh37 (hg19) VCF-style: chr11-108216587-T-C.
Other names: c.8536T>C, p.Phe2846Leu (NM_001351834.2); c.641-36789A>G (NM_001330368.2); c.695-10568A>G (NM_001351110.2); short protein forms F2846L.
Identifiers: ClinVar variation 804547 (VCV000804547.10), dbSNP rs1591265229, ClinGen allele CA382518382.